The following is an entry in ClinVar:

NM_017999.5(RNF31):c.2279G>A (p.Ser760Asn)

Gene: RNF31 (ring finger protein 31; plus strand). Cytogenetic location: 14q12.
Variant type: single nucleotide variant.
Coding change: c.2279G>A on transcript NM_017999.5 (MANE Select); coding-DNA position 2279, G replaced by A.
Protein change: p.Ser760Asn; replaces serine 760 with asparagine.
Molecular consequence: missense variant.
Genome position (GRCh38, 1-based): chr14:24,155,305, G>A. VCF-style: chr14-24155305-G-A. GRCh37 (hg19) VCF-style: chr14-24624514-G-A.
Other names: c.1826G>A, p.Ser609Asn (NM_001310332.2); short protein forms S609N, S760N.
Identifiers: ClinVar variation 1949774 (VCV001949774.5), dbSNP rs2502014455, ClinGen allele CA389302053.
Genomic context (GRCh38, chr14:24,155,305, plus strand): 5'-CAGACATGGTGTGCCCTGCCTGTGGCCGCCCCGACCTCACCGATGACACACAGTTGCTCA[G>A]CTACTTCTCTACCCTTGACATCCAGGTACTGCAGCCCCTCTAGGACTCAGGTACCCTGAG-3'
Protein context (NP_060469.4, residues 750-770): PDLTDDTQLL[Ser760Asn]YFSTLDIQLR

ClinVar aggregate classification (germline): Uncertain significance (1 of 4 stars; one submission).

Allele frequency attached by ClinVar (database versions not stated): gnomAD exomes below 0.00001.
gnomAD v4.1: 6 of 1,614,180 alleles (0.00037%); highest among the groups gnomAD compares: Non-Finnish European, 0.00051%; no homozygotes.

Submission:

Labcorp Genetics (formerly Invitae), Labcorp
Classification: Uncertain significance. Last evaluated: 2022-08-21. Review status: criteria provided, single submitter. Criteria: Invitae Variant Classification Sherloc (09022015). Collection method: clinical testing. Allele origin: germline.
Comment: In summary, the available evidence is currently insufficient to determine the role of this variant in disease. Therefore, it has been classified as a Variant of Uncertain Significance. Algorithms developed to predict the effect of missense changes on protein structure and function (SIFT, PolyPhen-2, Align-GVGD) all suggest that this variant is likely to be tolerated. This variant has not been reported in the literature in individuals affected with RNF31-related conditions. This variant is not present in population databases (gnomAD no frequency). This sequence change replaces serine, which is neutral and polar, with asparagine, which is neutral and polar, at codon 760 of the RNF31 protein (p.Ser760Asn).